The following is an entry in ClinVar:

ClinVar aggregate classification (germline): Benign. Review status: criteria provided, single submitter (1 of 4 stars). 5 submissions from 1 submitter: Benign (5). Last evaluated 2018-01-13.

Conditions:
Sulfate transporter-related osteochondrodysplasia. Also called: DTDST-related dysplasias. Identifiers: MedGen CN120497. Disease mechanism: loss of function.
Achondrogenesis, type IB (ACG1B). Also called: Achondrogenesis Type 1B. Identifiers: Orphanet 932, Orphanet 93298, MedGen C0265274, MONDO:0010966, OMIM 600972.
Atelosteogenesis type II (AO2). Also called: NEONATAL OSSEOUS DYSPLASIA I; Neonatal osseous dysplasia 1; SLC26A2-Related Atelosteogenesis. Identifiers: Orphanet 56304, MedGen C1850554, MONDO:0009727, OMIM 256050.
Diastrophic dysplasia (DTD). Also called: Diastrophic dwarfism. Identifiers: Orphanet 628, MedGen C0220726, MONDO:0009107, OMIM 222600.
Multiple epiphyseal dysplasia type 4 (EDM4). Also called: MULTIPLE EPIPHYSEAL DYSPLASIA WITH BILAYERED PATELLAE; MULTIPLE EPIPHYSEAL DYSPLASIA WITH CLUBFOOT; MULTIPLE EPIPHYSEAL DYSPLASIA, AUTOSOMAL RECESSIVE; SLC26A2-Related Multiple Epiphyseal Dysplasia; Multiple Epiphyseal Dysplasia, Recessive. Identifiers: Orphanet 93307, MedGen C1847593, MONDO:0009189, OMIM 226900.

Allele frequency attached by ClinVar (database versions not stated): gnomAD 0.20379 and 0.20874; 1000 Genomes Project 0.20427; 1000 Genomes Project 30x 0.20956; TOPMed 0.22157.

Submissions (5):

Illumina Laboratory Services, Illumina
Classification: Benign for Atelosteogenesis type II. Last evaluated: 2018-01-13. Review status: criteria provided, single submitter. Criteria: ICSL Variant Classification Criteria 13 December 2019. Collection method: clinical testing. Allele origin: germline.
Comment: This variant was observed in the ICSL laboratory as part of a predisposition screen in an ostensibly healthy population. It had not been previously curated by ICSL or reported in the Human Gene Mutation Database (HGMD: prior to June 1st, 2018), and was therefore a candidate for classification through an automated scoring system. Utilizing variant allele frequency, disease prevalence and penetrance estimates, and inheritance mode, an automated score was calculated to assess if this variant is too frequent to cause the disease. Based on the score and internal cut-off values, a variant classified as benign is not then subjected to further curation. The score for this variant resulted in a classification of benign for this disease.

Illumina Laboratory Services, Illumina
Classification: Benign for Osteochondrodysplasia. Last evaluated: 2018-01-13. Review status: criteria provided, single submitter. Criteria: ICSL Variant Classification Criteria 13 December 2019. Collection method: clinical testing. Allele origin: germline.
Comment: the same text as in the submission from Illumina Laboratory Services, Illumina above.

Illumina Laboratory Services, Illumina
Classification: Benign for Diastrophic dysplasia. Last evaluated: 2018-01-13. Review status: criteria provided, single submitter. Criteria: ICSL Variant Classification Criteria 13 December 2019. Collection method: clinical testing. Allele origin: germline.
Comment: the same text as in the submission from Illumina Laboratory Services, Illumina above.

Illumina Laboratory Services, Illumina
Classification: Benign for Achondrogenesis, type IB. Last evaluated: 2018-01-13. Review status: criteria provided, single submitter. Criteria: ICSL Variant Classification Criteria 13 December 2019. Collection method: clinical testing. Allele origin: germline.
Comment: the same text as in the submission from Illumina Laboratory Services, Illumina above.

Illumina Laboratory Services, Illumina
Classification: Benign for Multiple epiphyseal dysplasia type 4. Last evaluated: 2018-01-13. Review status: criteria provided, single submitter. Criteria: ICSL Variant Classification Criteria 13 December 2019. Collection method: clinical testing. Allele origin: germline.
Comment: the same text as in the submission from Illumina Laboratory Services, Illumina above.

NM_000112.4(SLC26A2):c.*5553G>A

Gene: SLC26A2 (solute carrier family 26 member 2; plus strand). Cytogenetic location: 5q32.
Variant type: single nucleotide variant.
Coding change: c.*5553G>A on transcript NM_000112.4 (MANE Select); 5553 bases downstream of the stop codon, G replaced by A.
Molecular consequence: 3 prime UTR variant.
Genome position (GRCh38, 1-based): chr5:149,987,366, G>A. VCF-style: chr5-149987366-G-A. GRCh37 (hg19) VCF-style: chr5-149366929-G-A.
Identifiers: ClinVar variation 352098 (VCV000352098.5), dbSNP rs10476926, ClinGen allele CA10623644.